The following is an entry in ClinVar:

ClinVar aggregate classification (germline): Pathogenic (1 of 4 stars; one submission).

Submission:

Labcorp Genetics (formerly Invitae), Labcorp
Classification: Pathogenic. Last evaluated: 2022-07-20. Review status: criteria provided, single submitter. Criteria: Invitae Variant Classification Sherloc (09022015). Collection method: clinical testing. Allele origin: germline.
Comment: This variant is not present in population databases (gnomAD no frequency). This sequence change creates a premature translational stop signal (p.Ser224Profs*10) in the RP2 gene. It is expected to result in an absent or disrupted protein product. Loss-of-function variants in RP2 are known to be pathogenic (PMID: 11992260, 20625056). For these reasons, this variant has been classified as Pathogenic. This variant has not been reported in the literature in individuals affected with RP2-related conditions.

Literature cited by the submitters: PubMed 11992260; PubMed 20625056.

NM_006915.3(RP2):c.670_671del (p.Ser224fs)

Gene: RP2 (RP2 activator of ARL3 GTPase; plus strand). Cytogenetic location: Xp11.3.
Variant type: Deletion.
Coding change: c.670_671del on transcript NM_006915.3 (MANE Select); coding-DNA positions 670 to 671, 2 bases deleted (TC; older notation c.670_671delTC).
Protein change: p.Ser224fs; shifts the reading frame from serine 224.
Molecular consequence: frameshift variant.
Genome position (GRCh38, 1-based): chrX:46,854,043-46,854,044, TC deleted. VCF-style (leftmost placement, unchanged base first): chrX-46854042-ATC-A. GRCh37 (hg19) VCF-style: chrX-46713477-ATC-A.
Other names: short protein forms S224fs.
Identifiers: ClinVar variation 2018409 (VCV002018409.4), dbSNP rs2519914804, ClinGen allele CA2580101060.